The following is an entry in ClinVar:

NM_017946.4(FKBP14):c.198-125T>C

Genes: FKBP14 (FKBP prolyl isomerase 14; minus strand), FKBP14-AS1 (FKBP14 antisense RNA 1; plus strand). Cytogenetic location: 7p14.3.
Variant type: single nucleotide variant.
Coding change: c.198-125T>C on transcript NM_017946.4 (MANE Select); 125 bases into the intron before coding-DNA position 198, T replaced by C.
Molecular consequence: intron variant.
Genome position (GRCh38, 1-based): chr7:30,022,941, A>G on the plus strand (T>C on the coding strand, the complement: FKBP14 is on the minus strand). VCF-style: chr7-30022941-A-G. GRCh37 (hg19) VCF-style: chr7-30062557-A-G.
Identifiers: ClinVar variation 678510 (VCV000678510.1), dbSNP rs10231351, ClinGen allele CA156003344.
Genomic context (GRCh38, chr7:30,022,941, plus strand): 5'-TTCCCACCAGTAAGTGGTTAAGTTTATTAGTTTAAAAATTTATAAATACAGCAATTCTGT[A>G]TTTGCACACATACACACACACCTCCAAGTCAAGTTTATAGGAATTCAATTCACTGCCCAT-3'

ClinVar aggregate classification (germline): Benign (1 of 4 stars; one submission).

Allele frequency attached by ClinVar (database versions not stated): 1000 Genomes Project 0.03095; 1000 Genomes Project 30x 0.03107; TOPMed 0.04550; gnomAD 0.05635 and 0.05743; gnomAD exomes 0.07535.
gnomAD v4.1: 55,328 of 778,792 alleles (7.1%); highest among the groups gnomAD compares: Non-Finnish European, 8.4%; 2,259 homozygotes.

Submission:

GeneDx
Classification: Benign. Last evaluated: 2018-06-14. Review status: criteria provided, single submitter. Criteria: GeneDx Variant Classification (06012015). Collection method: clinical testing. Allele origin: germline. Affected: yes.
Comment: This variant is considered likely benign or benign based on one or more of the following criteria: it is a conservative change, it occurs at a poorly conserved position in the protein, it is predicted to be benign by multiple in silico algorithms, and/or has population frequency not consistent with disease.